The following is an entry in ClinVar:

NM_001032283.3(TMPO):c.565+1188G>T

Gene: TMPO (thymopoietin; plus strand). Cytogenetic location: 12q23.1.
Variant type: single nucleotide variant.
Coding change: c.565+1188G>T on transcript NM_001032283.3 (MANE Select); 1188 bases into the intron after coding-DNA position 565, G replaced by T.
Molecular consequence: intron variant. On other transcripts: missense variant (1).
Genome position (GRCh38, 1-based): chr12:98,533,026, G>T. VCF-style: chr12-98533026-G-T. GRCh37 (hg19) VCF-style: chr12-98926804-G-T.
Other names: c.769G>T, p.Val257Phe (NM_003276.2); c.565+1188G>T (NM_001307975.2, NM_001032284.3); short protein forms V257F.
Identifiers: ClinVar variation 3223184 (VCV003223184.1), dbSNP rs2548502934, ClinGen allele CA386151768.
Genomic context (GRCh38, chr12:98,533,026, plus strand): 5'-GAACTACAGGCAGCTAAGAAAGTACATACTTCTAAGGGAGACCTACCTAGGGAGCCTCTT[G>T]TTGCCACAAACTTGCCTGGCAGGGGACAGTTGCAGAAGTTAGCCTCTGAAAGGAATTTGT-3'

ClinVar aggregate classification (germline): Uncertain significance (1 of 4 stars; one submission).

Allele frequency attached by ClinVar (database versions not stated): gnomAD exomes below 0.00001.
gnomAD v4.1: 1 of 1,613,662 alleles (0.000062%); highest among the groups gnomAD compares: Non-Finnish European, 0.000085%; no homozygotes.

Submission:

Ambry Genetics
Classification: Uncertain significance. Last evaluated: 2023-12-12. Review status: criteria provided, single submitter. Criteria: Ambry Variant Classification Scheme 2023. Collection method: clinical testing. Allele origin: germline.
Comment: The p.V257F variant (also known as c.769G>T), located in coding exon 4 of the TMPO gene, results from a G to T substitution at nucleotide position 769. The valine at codon 257 is replaced by phenylalanine, an amino acid with highly similar properties. This amino acid position is conserved. In addition, this alteration is predicted to be tolerated by in silico analysis. Since supporting evidence is limited at this time, the clinical significance of this alteration remains unclear.